The following is an entry in ClinVar:

ClinVar aggregate classification (germline): Uncertain significance (1 of 4 stars; one submission).

Submission:

Labcorp Genetics (formerly Invitae), Labcorp
Classification: Uncertain significance. Last evaluated: 2021-10-22. Review status: criteria provided, single submitter. Criteria: Invitae Variant Classification Sherloc (09022015). Collection method: clinical testing. Allele origin: germline.
Comment: This sequence change replaces glutamic acid with aspartic acid at codon 379 of the HPS4 protein (p.Glu379Asp). The glutamic acid residue is weakly conserved and there is a small physicochemical difference between glutamic acid and aspartic acid. This variant is not present in population databases (ExAC no frequency). This variant has not been reported in the literature in individuals affected with HPS4-related conditions. Algorithms developed to predict the effect of missense changes on protein structure and function output the following: SIFT: "Tolerated"; PolyPhen-2: "Benign"; Align-GVGD: "Class C0". The aspartic acid amino acid residue is found in multiple mammalian species, which suggests that this missense change does not adversely affect protein function. In summary, the available evidence is currently insufficient to determine the role of this variant in disease. Therefore, it has been classified as a Variant of Uncertain Significance.

NM_022081.6(HPS4):c.1137A>C (p.Glu379Asp)

Gene: HPS4 (HPS4 biogenesis of lysosomal organelles complex 3 subunit 2; minus strand). Cytogenetic location: 22q12.1.
Variant type: single nucleotide variant.
Coding change: c.1137A>C on transcript NM_022081.6 (MANE Select); coding-DNA position 1137, A replaced by C.
Protein change: p.Glu379Asp; replaces glutamic acid 379 with aspartic acid.
Molecular consequence: missense variant. On other transcripts: non-coding transcript variant (8).
Genome position (GRCh38, 1-based): chr22:26,464,493, T>G on the plus strand (A>C on the coding strand, the complement: HPS4 is on the minus strand). VCF-style: chr22-26464493-T-G. GRCh37 (hg19) VCF-style: chr22-26860459-T-G.
Other names: c.1137A>C, p.Glu379Asp (NM_001349896.1, NM_001349898.2, NM_001349899.2 and 4 more transcripts); c.1191A>C, p.Glu397Asp (NM_001349900.2, NM_001349901.1); c.1122A>C, p.Glu374Asp (NM_152841.2); short protein forms E397D, E374D, E379D.
Identifiers: ClinVar variation 1473390 (VCV001473390.3), dbSNP rs2146556478, ClinGen allele CA411027906.